The following is an entry in ClinVar:

ClinVar aggregate classification (germline): Uncertain significance (1 of 4 stars; one submission).

Allele frequency attached by ClinVar (database versions not stated): TOPMed 0.00001; ExAC 0.00002; gnomAD 0.00002; gnomAD exomes 0.00002; ESP Exome Variant Server 0.00008.
gnomAD v4.1: 35 of 1,613,904 alleles (0.0022%); highest among the groups gnomAD compares: Middle Eastern, 0.017%; no homozygotes.

Submission:

Labcorp Genetics (formerly Invitae), Labcorp
Classification: Uncertain significance. Last evaluated: 2021-08-13. Review status: criteria provided, single submitter. Criteria: Invitae Variant Classification Sherloc (09022015). Collection method: clinical testing. Allele origin: germline.
Comment: This sequence change replaces glutamic acid with lysine at codon 1287 of the ERBB4 protein (p.Glu1287Lys). The glutamic acid residue is moderately conserved and there is a small physicochemical difference between glutamic acid and lysine. This variant is present in population databases (rs367568427, ExAC 0.003%). This variant has not been reported in the literature in individuals affected with ERBB4-related conditions. Algorithms developed to predict the effect of missense changes on protein structure and function are either unavailable or do not agree on the potential impact of this missense change (SIFT: "Deleterious"; PolyPhen-2: "Probably Damaging"; Align-GVGD: "Class C0"). In summary, the available evidence is currently insufficient to determine the role of this variant in disease. Therefore, it has been classified as a Variant of Uncertain Significance.

NM_005235.3(ERBB4):c.3859G>A (p.Glu1287Lys)

Gene: ERBB4 (erb-b2 receptor tyrosine kinase 4; minus strand). Cytogenetic location: 2q34.
Variant type: single nucleotide variant.
Coding change: c.3859G>A on transcript NM_005235.3 (MANE Select); coding-DNA position 3859, G replaced by A.
Protein change: p.Glu1287Lys; replaces glutamic acid 1287 with lysine.
Molecular consequence: missense variant.
Genome position (GRCh38, 1-based): chr2:211,383,683, C>T on the plus strand (G>A on the coding strand, the complement: ERBB4 is on the minus strand). VCF-style: chr2-211383683-C-T. GRCh37 (hg19) VCF-style: chr2-212248408-C-T.
Other names: c.3811G>A, p.Glu1271Lys (NM_001042599.2); short protein forms E1271K, E1287K.
Identifiers: ClinVar variation 1410923 (VCV001410923.6), dbSNP rs367568427, ClinGen allele CA2087350.